The following is an entry in ClinVar:

NM_004586.3(RPS6KA3):c.326-16dup

Gene: RPS6KA3 (ribosomal protein S6 kinase A3; minus strand). Cytogenetic location: Xp22.12.
Variant type: Duplication.
Coding change: c.326-16dup on transcript NM_004586.3 (MANE Select); 16 bases into the intron before coding-DNA position 326, one base duplicated (A; older notation c.326-16dupA).
Molecular consequence: intron variant.
Genome position (GRCh38, 1-based): chrX:20,195,161, T duplicated on the plus strand (A on the coding strand, the reverse complement: RPS6KA3 is on the minus strand). VCF-style (leftmost placement, unchanged base first): chrX-20195160-A-AT. GRCh37 (hg19) VCF-style: chrX-20213278-A-AT.
Other names: c.326-16dupA (NM_004586.2).
Identifiers: ClinVar variation 930812 (VCV000930812.4), dbSNP rs2068239940, ClinGen allele CA1139667334.
Genomic context (GRCh38, chrX:20,195,160, plus strand): 5'-TCTACCAAGATATCACGTTCCATTTTTGTCCGAACTCGGTCTCGAACTATAAAAGATTGT[A>AT]TGTATGCTACATTGTAATATCTTTCAAAGATAATCTTCAAAACAAATTCTTTTTGGTGCC-3'

ClinVar aggregate classification (germline): Uncertain significance. Review status: criteria provided, single submitter (1 of 4 stars). 2 submissions from 2 submitters: Uncertain significance (1). 1 of the submissions does not count toward it. Last evaluated 2019-03-30.

Conditions:
RPS6KA3-related disorder. Also called: RPS6KA3-related condition.
Intellectual developmental disorder, X-linked 19. Also called: Intellectual disability, X-linked 19. Identifiers: Orphanet 777, MedGen C0796225, MONDO:0010447, OMIM 300844.

Allele frequency attached by ClinVar (database versions not stated): TOPMed below 0.00001.

Submissions (2):

Centre for Mendelian Genomics, University Medical Centre Ljubljana
Classification: Uncertain significance for Intellectual developmental disorder, X-linked 19. Last evaluated: 2019-03-30. Review status: criteria provided, single submitter. Criteria: ACMG Guidelines, 2015. Collection method: clinical testing. Allele origin: unknown. Affected: yes.
Comment: This variant was classified as: Uncertain significance. The available evidence on this variant's pathogenicity is insufficient or conflicting. The following ACMG criteria were applied in classifying this variant: PM2.

PreventionGenetics, part of Exact Sciences
Classification: Likely benign for RPS6KA3-related condition. Last evaluated: 2021-06-28. Review status: no assertion criteria provided. Collection method: clinical testing. Allele origin: germline. Not counted in ClinVar's aggregate classification.
Comment: This variant is classified as likely benign based on ACMG/AMP sequence variant interpretation guidelines (Richards et al. 2015 PMID: 25741868, with internal and published modifications).